The following is an entry in ClinVar:

ClinVar aggregate classification (germline): Conflicting classifications of pathogenicity. Review status: criteria provided, conflicting classifications (1 of 4 stars). 5 submissions from 5 submitters: Uncertain significance (1); Benign (1); Likely benign (3). Last evaluated 2025-09-12.

Conditions:
Hereditary cancer-predisposing syndrome. Also called: Hereditary neoplastic syndrome; Tumor predisposition; Neoplastic Syndromes, Hereditary; Hereditary Cancer Syndrome. Identifiers: Orphanet 140162, MedGen C0027672, MeSH D009386, MONDO:0015356.
Familial cancer of breast. Also called: Hereditary breast cancer; hereditary breast carcinoma; BREAST CANCER, FAMILIAL. Identifiers: Orphanet 227535, MedGen C0346153, MONDO:0016419, OMIM 114480. Disease mechanism: loss of function.
Ataxia-telangiectasia syndrome (AT). Also called: Ataxia-telangiectasia, complementation group D; Ataxia telangiectasia (A-T); LOUIS-BAR SYNDROME; AT, COMPLEMENTATION GROUP C; Ataxia-telangiectasia; ATAXIA-TELANGIECTASIA, COMPLEMENTATION GROUP A. Identifiers: Orphanet 100, MedGen C0004135, MONDO:0008840, OMIM 208900.

Submissions (5):

Quest Diagnostics Nichols Institute San Juan Capistrano
Classification: Uncertain significance. Last evaluated: 2025-09-12. Review status: criteria provided, single submitter. Criteria: Quest Diagnostics criteria. Collection method: clinical testing. Allele origin: unknown.

Labcorp Genetics (formerly Invitae), Labcorp
Classification: Likely benign for Ataxia-telangiectasia syndrome. Last evaluated: 2025-08-18. Review status: criteria provided, single submitter. Criteria: Invitae Variant Classification Sherloc (09022015). Collection method: clinical testing. Allele origin: germline.

Myriad Genetics, Inc.
Classification: Benign for Familial cancer of breast. Last evaluated: 2024-05-20. Review status: criteria provided, single submitter. Criteria: Myriad Autosomal Dominant, Autosomal Recessive and X-Linked Classification Criteria (2023). Collection method: clinical testing. Allele origin: unknown.
Comment: This variant is considered benign. This variant is a silent/synonymous amino acid change and it is not expected to impact splicing.

Color Diagnostics, LLC DBA Color Health
Classification: Likely benign for Hereditary cancer-predisposing syndrome. Last evaluated: 2023-09-18. Review status: criteria provided, single submitter. Criteria: ACMG Guidelines, 2015. Collection method: clinical testing. Allele origin: germline.

Ambry Genetics
Classification: Likely benign for Hereditary cancer-predisposing syndrome. Last evaluated: 2021-10-11. Review status: criteria provided, single submitter. Criteria: Ambry Variant Classification Scheme 2023. Collection method: clinical testing. Allele origin: germline.

NM_000051.4(ATM):c.4470C>T (p.Ser1490=)

Gene: ATM (ATM serine/threonine kinase; plus strand). Cytogenetic location: 11q22.3.
Variant type: single nucleotide variant.
Coding change: c.4470C>T on transcript NM_000051.4 (MANE Select); coding-DNA position 4470, C replaced by T.
Protein change: p.Ser1490=; no amino-acid change (serine 1490 retained).
Molecular consequence: synonymous variant.
Genome position (GRCh38, 1-based): chr11:108,292,652, C>T. VCF-style: chr11-108292652-C-T. GRCh37 (hg19) VCF-style: chr11-108163379-C-T.
Other names: c.4470C>T, p.Ser1490= (NM_001351834.2).
Identifiers: ClinVar variation 1109958 (VCV001109958.13), dbSNP rs2135798259, ClinGen allele CA476674138.